The following is an entry in ClinVar:

ClinVar aggregate classification (germline): Likely benign. Review status: criteria provided, single submitter (1 of 4 stars). 2 submissions from 2 submitters: Likely benign (1). 1 of the submissions does not count toward it. Last evaluated 2026-05-01.

Conditions:
MN1-related disorder. Also called: MN1-related condition.

Allele frequency attached by ClinVar (database versions not stated): ExAC 0.00009.
gnomAD v4.1: 34 of 1,525,648 alleles (0.0022%); highest among the groups gnomAD compares: Middle Eastern, 0.045%; no homozygotes.

Submissions (2):

CeGaT Center for Human Genetics Tuebingen
Classification: Likely benign. Last evaluated: 2026-05-01. Review status: criteria provided, single submitter. Criteria: CeGaT Center For Human Genetics Tuebingen Variant Classification Criteria Version 2. Collection method: clinical testing. Allele origin: germline. Affected: yes. Observed: 2 variant alleles.
Comment: MN1: BP4, BP7

PreventionGenetics, part of Exact Sciences
Classification: Likely benign for MN1-related condition. Last evaluated: 2019-02-26. Review status: no assertion criteria provided. Collection method: clinical testing. Allele origin: germline. Not counted in ClinVar's aggregate classification.
Comment: This variant is classified as likely benign based on ACMG/AMP sequence variant interpretation guidelines (Richards et al. 2015 PMID: 25741868, with internal and published modifications).

NM_002430.3(MN1):c.2256C>T (p.Gly752=)

Gene: MN1 (MN1 proto-oncogene, transcriptional regulator; minus strand). Cytogenetic location: 22q12.1.
Variant type: single nucleotide variant.
Coding change: c.2256C>T on transcript NM_002430.3 (MANE Select); coding-DNA position 2256, C replaced by T.
Protein change: p.Gly752=; no amino-acid change (glycine 752 retained).
Molecular consequence: synonymous variant.
Genome position (GRCh38, 1-based): chr22:27,798,288, G>A on the plus strand (C>T on the coding strand, the complement: MN1 is on the minus strand). VCF-style: chr22-27798288-G-A. GRCh37 (hg19) VCF-style: chr22-28194276-G-A.
Other names: c.2256C>T (NM_002430.2).
Identifiers: ClinVar variation 3025576 (VCV003025576.23), dbSNP rs749154826, ClinGen allele CA10166273.
Genomic context (GRCh38, chr22:27,798,288, plus strand): 5'-GCCCCCTCCCGCGCTGGGGGGCGAGTTCACGCCTGGACCGCTGTGCGGCGTGGACTGCCG[G>A]CCGGCTGCACCAAACGGAAAGCCCGGCTGGCCCCCGAGCGCAGACGTAGCAAAGTCCGGC-3'
Protein context (NP_002421.3, residues 742-762): GQPGFPFGAA[Gly752=]RQSTPHSGPG